The following is an entry in ClinVar:

NM_020163.3(SEMA3G):c.729_734del (p.Tyr244_Phe245del)

Gene: SEMA3G (semaphorin 3G; minus strand). Cytogenetic location: 3p21.1.
Variant type: Deletion.
Coding change: c.729_734del on transcript NM_020163.3 (MANE Select); coding-DNA positions 729 to 734, 6 bases deleted (GTACTT; older notation c.729_734delGTACTT).
Protein change: p.Tyr244_Phe245del.
Molecular consequence: inframe deletion.
Genome position (GRCh38, 1-based): chr3:52,441,343-52,441,348, AAGTAC deleted on the plus strand (GTACTT on the coding strand, the reverse complement: SEMA3G is on the minus strand); deleting any 6 consecutive bases within chr3:52,441,343-52,441,349 gives the same sequence; the c. name uses the placement nearest the transcript's 3' end. VCF-style (leftmost placement, unchanged base first): chr3-52441342-GAAGTAC-G. GRCh37 (hg19) VCF-style: chr3-52475358-GAAGTAC-G.
Identifiers: ClinVar variation 4981307 (VCV004981307.1).

ClinVar aggregate classification (germline): Uncertain significance (1 of 4 stars; one submission).

Conditions:
SEMA3G-related disorder. Also called: SEMA3G-related condition.

Submission:

PreventionGenetics, part of Exact Sciences
Classification: Uncertain significance for SEMA3G-related condition. Last evaluated: 2025-05-14. Review status: criteria provided, single submitter. Criteria: ACMG Guidelines, 2015. Collection method: clinical testing. Allele origin: germline.
Comment: The SEMA3G c.729_734del6 variant is predicted to result in an in-frame deletion (p.Tyr244_Phe245del). To our knowledge, this variant has not been reported in the literature or in a large population database (gnomAD), indicating this variant is rare. At this time, the clinical significance of this variant is uncertain due to the absence of conclusive functional and genetic evidence.